The following is an entry in ClinVar:

ClinVar aggregate classification (germline): Uncertain significance (1 of 4 stars; one submission).

Allele frequency attached by ClinVar (database versions not stated): ExAC 0.00002; gnomAD exomes below 0.00001; gnomAD 0.00001; TOPMed 0.00001; ESP Exome Variant Server 0.00008.

Submission:

Labcorp Genetics (formerly Invitae), Labcorp
Classification: Uncertain significance. Last evaluated: 2022-01-12. Review status: criteria provided, single submitter. Criteria: Invitae Variant Classification Sherloc (09022015). Collection method: clinical testing. Allele origin: germline.
Comment: This sequence change replaces aspartic acid, which is acidic and polar, with tyrosine, which is neutral and polar, at codon 82 of the TYRP1 protein (p.Asp82Tyr). The frequency data for this variant in the population databases is considered unreliable, as metrics indicate poor data quality at this position in the gnomAD database. This variant has not been reported in the literature in individuals affected with TYRP1-related conditions. Algorithms developed to predict the effect of missense changes on protein structure and function are either unavailable or do not agree on the potential impact of this missense change (SIFT: "Deleterious"; PolyPhen-2: "Probably Damaging"; Align-GVGD: "Class C0"). In summary, the available evidence is currently insufficient to determine the role of this variant in disease. Therefore, it has been classified as a Variant of Uncertain Significance.

NM_000550.3(TYRP1):c.244G>T (p.Asp82Tyr)

Gene: TYRP1 (tyrosinase related protein 1; plus strand). Cytogenetic location: 9p23.
Variant type: single nucleotide variant.
Coding change: c.244G>T on transcript NM_000550.3 (MANE Select); coding-DNA position 244, G replaced by T.
Protein change: p.Asp82Tyr; replaces aspartic acid 82 with tyrosine.
Molecular consequence: missense variant.
Genome position (GRCh38, 1-based): chr9:12,694,240, G>T. VCF-style: chr9-12694240-G-T. GRCh37 (hg19) VCF-style: chr9-12694240-G-T.
Other names: short protein forms D82Y.
Identifiers: ClinVar variation 1488242 (VCV001488242.3), dbSNP rs375545044, ClinGen allele CA4985152.
Genomic context (GRCh38, chr9:12,694,240, plus strand): 5'-AGGGGCAGATGTGAGGCAGTGACTGCAGACTCCCGGCCCCACAGCCCTCAGTATCCCCAT[G>T]ATGGCAGAGATGATCGGGAGGTCTGGCCCTTGCGCTTCTTCAATAGGACATGTCACTGCA-3'
Protein context (NP_000541.1, residues 72-92): SRPHSPQYPH[Asp82Tyr]GRDDREVWPL